The following is an entry in ClinVar:

ClinVar aggregate classification (germline): Pathogenic. Review status: reviewed by expert panel (3 of 4 stars). 6 submissions from 6 submitters: Pathogenic (1). 5 of the submissions do not count toward it. Last evaluated 2026-06-19.

Conditions:
Hereditary cancer-predisposing syndrome. Also called: Tumor predisposition; Hereditary neoplastic syndrome; Neoplastic Syndromes, Hereditary; Hereditary Cancer Syndrome. Identifiers: Orphanet 140162, MedGen C0027672, MeSH D009386, MONDO:0015356.
Familial cancer of breast. Also called: Hereditary breast cancer; BREAST CANCER, FAMILIAL; hereditary breast carcinoma. Identifiers: Orphanet 227535, MedGen C0346153, MONDO:0016419, OMIM 114480. Disease mechanism: loss of function.
ATM-related cancer predisposition. Also called: ATM-related cancer susceptibility. Identifiers: MedGen CN377759, MONDO:0700270.
Ataxia-telangiectasia syndrome (AT). Also called: Cerebello-oculocutaneous telangiectasia; Immunodeficiency with ataxia telangiectasia; Ataxia telangiectasia (A-T); LOUIS-BAR SYNDROME; Ataxia-telangiectasia, complementation group D; AT, COMPLEMENTATION GROUP C. Identifiers: Orphanet 100, MedGen C0004135, MONDO:0008840, OMIM 208900.

Allele frequency attached by ClinVar (database versions not stated): ExAC 0.00001; gnomAD exomes 0.00001.
gnomAD v4.1: 3 of 1,613,756 alleles (0.00019%); highest among the groups gnomAD compares: South Asian, 0.0011%; no homozygotes.

Submissions (6):

ClinGen Hereditary Breast, Ovarian and Pancreatic Cancer Variant Curation Expert Panel, ClinGen
Classification: Pathogenic for ATM-related cancer predisposition. Last evaluated: 2026-06-19. Review status: reviewed by expert panel. Criteria: ClinGen HBOP ACMG Specifications ATM V1.5.0. Collection method: curation. Allele origin: germline. Inheritance: Autosomal dominant inheritance.
Comment: The c.4909+1G>A variant in ATM occurs within the canonical splice donor site (+/- 1,2). It is predicted to cause skipping of biologically-relevant-exon, resulting in a frameshift causing a premature stop codon in biologically-relevant-exon leading to nonsense mediated decay in a gene in which loss-of-function is an established disease mechanism. This variant has been detected in individual(s) with Ataxia-Telangiectasia (PMID: 9887333). The highest population minor allele frequency in gnomAD v4.1.1 is 0.00001098 in South Asian population (PM2_Supporting, BS1, and BA1 are not met). In summary, this variant meets the criteria to be classified as pathogenic for autosomal dominant ATM-related cancer predisposition and autosomal recessive Ataxia-Telangiectasia based on the ACMG/AMP criteria applied, as specified by the HBOP VCEP. (PVS1, PM3_Strong)

Labcorp Genetics (formerly Invitae), Labcorp
Classification: Pathogenic for Ataxia-telangiectasia syndrome. Last evaluated: 2026-01-01. Review status: criteria provided, single submitter. Criteria: Invitae Variant Classification Sherloc (09022015). Collection method: clinical testing. Allele origin: germline. Not counted in ClinVar's aggregate classification.
Comment: This sequence change affects a donor splice site in intron 32 of the ATM gene. It is expected to disrupt RNA splicing. Variants that disrupt the donor or acceptor splice site typically lead to a loss of protein function (PMID: 16199547), and loss-of-function variants in ATM are known to be pathogenic (PMID: 23807571, 25614872). This variant is present in population databases (rs756987454, gnomAD 0.003%). Disruption of this splice site has been observed in individuals with ataxia-telangiectasia, and as heterozygous in an individual affected with breast cancer (PMID: 9887333, 26534844). ClinVar contains an entry for this variant (Variation ID: 478991). Algorithms developed to predict the effect of sequence changes on RNA splicing suggest that this variant may disrupt the consensus splice site. For these reasons, this variant has been classified as Pathogenic.

Color Diagnostics, LLC DBA Color Health
Classification: Pathogenic for Hereditary cancer-predisposing syndrome. Last evaluated: 2025-09-08. Review status: criteria provided, single submitter. Criteria: ACMG Guidelines, 2015. Collection method: clinical testing. Allele origin: germline. Not counted in ClinVar's aggregate classification.
Comment: This variant causes a G to A substitution at position +1 of intron 32 in the ATM gene. Splice site prediction tools suggest that this variant may have a significant impact on RNA splicing. Although this prediction has not been confirmed in published RNA studies, this variant is expected to result in an absent or disrupted protein product. This variant has been observed in individuals affected with familial breast cancer (PMID: 26534844, 29489040)> This variant has also been observed in the homozygous state or compound heterozygous state with a second pathogenic variant in individuals affected with autosomal recessive Ataxia-Telangiectasia (PMID: 9887333, 40565533), indicating that this variant contributes to disease. This variant has been identified in 2/251332 chromosomes in the general population by the Genome Aggregation Database (gnomAD). Loss of ATM function is a known mechanism of disease. Based on the available evidence, this variant is classified as Pathogenic.

Ambry Genetics
Classification: Pathogenic for Hereditary cancer-predisposing syndrome. Last evaluated: 2025-06-09. Review status: criteria provided, single submitter. Criteria: Ambry Variant Classification Scheme 2023. Collection method: clinical testing. Allele origin: germline. Not counted in ClinVar's aggregate classification.
Comment: The c.4909+1G>A intronic pathogenic mutation results from a G to A substitution one nucleotide after coding exon 31 of the ATM gene. This alteration was observed in the homozygous state in two apparently unrelated individuals with ataxia-telangiectasia (Sandoval N et al. Hum. Mol. Genet. 1999 Jan;8(1):69-79). In addition to the clinical data presented in the literature, alterations that disrupt the canonical splice site are expected to cause aberrant splicing, resulting in an abnormal protein or a transcript that is subject to nonsense-mediated mRNA decay; however, direct evidence is insufficient at this time (Ambry internal data). As such, this alteration is classified as a disease-causing mutation.

Myriad Genetics, Inc.
Classification: Pathogenic for Familial cancer of breast. Last evaluated: 2024-01-25. Review status: criteria provided, single submitter. Criteria: Myriad Autosomal Dominant, Autosomal Recessive and X-Linked Classification Criteria (2023). Collection method: clinical testing. Allele origin: unknown. Not counted in ClinVar's aggregate classification.
Comment: This variant is considered pathogenic. This variant occurs within a consensus splice junction and is predicted to result in abnormal mRNA splicing of either an out-of-frame exon or an in-frame exon necessary for protein stability and/or normal function. This variant has been reported in multiple individuals with clinical features of gene-specific disease [PMID: 29489040, 9887333].

Natera, Inc.
Classification: Pathogenic for Ataxia-telangiectasia. Last evaluated: 2020-09-16. Review status: no assertion criteria provided. Collection method: clinical testing. Allele origin: germline. Not counted in ClinVar's aggregate classification.

Literature cited by the submitters: PubMed 16199547 (cited by Labcorp Genetics (formerly Invitae), Labcorp); PubMed 23807571 (cited by Labcorp Genetics (formerly Invitae), Labcorp); PubMed 25614872 (cited by Labcorp Genetics (formerly Invitae), Labcorp); PubMed 9887333 (cited by 4 submitters); PubMed 26534844 (cited by Labcorp Genetics (formerly Invitae), Labcorp and Color Diagnostics, LLC DBA Color Health); PubMed 29489040 (cited by Color Diagnostics, LLC DBA Color Health and Myriad Genetics, Inc.); PubMed 40565533 (cited by Color Diagnostics, LLC DBA Color Health).

NM_000051.4(ATM):c.4909+1G>A

Gene: ATM (ATM serine/threonine kinase; plus strand). Cytogenetic location: 11q22.3.
Variant type: single nucleotide variant.
Coding change: c.4909+1G>A on transcript NM_000051.4 (MANE Select); the canonical splice donor site of the intron after coding-DNA position 4909, G replaced by A.
Molecular consequence: splice donor variant.
Genome position (GRCh38, 1-based): chr11:108,295,060, G>A. VCF-style: chr11-108295060-G-A. GRCh37 (hg19) VCF-style: chr11-108165787-G-A.
Other names: c.4909+1G>A (NM_001351834.2).
Identifiers: ClinVar variation 478991 (VCV000478991.18), dbSNP rs756987454, ClinGen allele CA6265571.